The following is an entry in ClinVar:

ClinVar aggregate classification (germline): Uncertain significance. Review status: criteria provided, multiple submitters, no conflicts (2 of 4 stars). 2 submissions from 2 submitters: Uncertain significance (2). Last evaluated 2025-04-07.

Conditions:
Dyskeratosis congenita, autosomal recessive 6 (DKCB6). Identifiers: MedGen C4225356, MONDO:0014600, OMIM 616353.
Pulmonary fibrosis and/or bone marrow failure, Telomere-related, 4. Also called: PULMONARY FIBROSIS AND/OR BONE MARROW FAILURE SYNDROME, TELOMERE-RELATED, 4. Identifiers: Orphanet 2032, MedGen C4225347, MONDO:0014612, OMIM 616371.

Allele frequency attached by ClinVar (database versions not stated): gnomAD exomes below 0.00001.
gnomAD v4.1: 4 of 1,613,174 alleles (0.00025%); highest among the groups gnomAD compares: African/African-American, 0.0013%; no homozygotes.

Submissions (2):

Labcorp Genetics (formerly Invitae), Labcorp
Classification: Uncertain significance for Dyskeratosis congenita, autosomal recessive 6; Pulmonary fibrosis and/or bone marrow failure, Telomere-related, 4. Last evaluated: 2025-04-07. Review status: criteria provided, single submitter. Criteria: Invitae Variant Classification Sherloc (09022015). Collection method: clinical testing. Allele origin: germline.
Comment: This sequence change replaces methionine, which is neutral and non-polar, with threonine, which is neutral and polar, at codon 614 of the PARN protein (p.Met614Thr). This variant is not present in population databases (gnomAD no frequency). This variant has not been reported in the literature in individuals affected with PARN-related conditions. ClinVar contains an entry for this variant (Variation ID: 1011502). An algorithm developed to predict the effect of missense changes on protein structure and function (PolyPhen-2) suggests that this variant is likely to be tolerated. In summary, the available evidence is currently insufficient to determine the role of this variant in disease. Therefore, it has been classified as a Variant of Uncertain Significance.

GeneDx
Classification: Uncertain significance. Last evaluated: 2024-12-05. Review status: criteria provided, single submitter. Criteria: GeneDx Variant Classification Process June 2021. Collection method: clinical testing. Allele origin: germline. Affected: yes.
Comment: Not observed at significant frequency in large population cohorts (gnomAD); In silico analysis indicates that this missense variant does not alter protein structure/function; This variant is associated with the following publications: (PMID: 35982159, 33057194)

NM_002582.4(PARN):c.1841T>C (p.Met614Thr)

Gene: PARN (poly(A)-specific ribonuclease; minus strand). Cytogenetic location: 16p13.12.
Variant type: single nucleotide variant.
Coding change: c.1841T>C on transcript NM_002582.4 (MANE Select); coding-DNA position 1841, T replaced by C.
Protein change: p.Met614Thr; replaces methionine 614 with threonine.
Molecular consequence: missense variant.
Genome position (GRCh38, 1-based): chr16:14,446,911, A>G on the plus strand (T>C on the coding strand, the complement: PARN is on the minus strand). VCF-style: chr16-14446911-A-G. GRCh37 (hg19) VCF-style: chr16-14540768-A-G.
Other names: c.1841T>C (NM_002582.3); c.1658T>C, p.Met553Thr (NM_001134477.3); c.1703T>C, p.Met568Thr (NM_001242992.2); short protein forms M553T, M568T, M614T.
Identifiers: ClinVar variation 1011502 (VCV001011502.10), dbSNP rs1961224273, ClinGen allele CA395184251.
Genomic context (GRCh38, chr16:14,446,911, plus strand): 5'-CCACGGCCCCAGAACTTCGGCAAGATCCAATACAAACCTGCTGGAGAAAGCTCCTTCTTC[A>G]TTCTTTTTAATTTCTTGGCCTTTTTCCTTCCCTCTGAGAGGGGCTCTGCACAGGAATCGG-3'
Protein context (NP_002573.1, residues 604-624): GRKKAKKLKR[Met614Thr]KKELSPAGSI